The following is an entry in ClinVar:

ClinVar aggregate classification (germline): Likely pathogenic (1 of 4 stars; one submission).

Conditions:
Hereditary cancer-predisposing syndrome. Also called: Hereditary Cancer Syndrome; Hereditary neoplastic syndrome; Tumor predisposition; Neoplastic Syndromes, Hereditary. Identifiers: Orphanet 140162, MedGen C0027672, MeSH D009386, MONDO:0015356.
Cardiovascular phenotype. Identifiers: MedGen CN230736.

Submission:

Ambry Genetics
Classification: Likely pathogenic for Cardiovascular phenotype; Hereditary cancer-predisposing syndrome. Last evaluated: 2024-12-09. Review status: criteria provided, single submitter. Criteria: Ambry Variant Classification Scheme 2023. Collection method: clinical testing. Allele origin: germline.
Comment: The c.651+5G>C intronic variant results from a G to C substitution 5 nucleotides after coding exon 7 in the LZTR1 gene. This nucleotide position is highly conserved in available vertebrate species. In silico splice site analysis predicts that this alteration will weaken the native splice donor site and will result in the creation or strengthening of a novel splice donor site. RNA studies have demonstrated that this alteration results in abnormal splicing in the set of samples tested (Ambry internal data). This variant is considered to be rare based on population cohorts in the Genome Aggregation Database (gnomAD). Loss-of-function variants in LZTR1 are related to an increased risk for schwannomas and autosomal recessive Noonan syndrome; however, such associations with autosomal dominant Noonan syndrome have not been observed (Piotrowski A et al. Nat Genet. 2014 Feb;46:182-7; Yamamoto GL et al. J Med Genet. 2015 Jun;52:413-21; Johnston JJ et al. Genet Med. 2018 10;20:1175-1185). Based on the supporting evidence, this variant is likely pathogenic for an increased risk of LZTR1-related schwannomatosis (SWN) and would be expected to cause autosomal recessive Noonan syndrome when present along with a second pathogenic or likely pathogenic variant on the other allele; however, the association of this alteration with autosomal dominant Noonan syndrome is unlikely.

NM_006767.4(LZTR1):c.651+5G>C

Gene: LZTR1 (leucine zipper like post translational regulator 1; plus strand). Cytogenetic location: 22q11.21.
Variant type: single nucleotide variant.
Coding change: c.651+5G>C on transcript NM_006767.4 (MANE Select); 5 bases into the intron after coding-DNA position 651, G replaced by C.
Molecular consequence: intron variant.
Genome position (GRCh38, 1-based): chr22:20,989,687, G>C. VCF-style: chr22-20989687-G-C. GRCh37 (hg19) VCF-style: chr22-21343976-G-C.
Identifiers: ClinVar variation 3541718 (VCV003541718.1).
Genomic context (GRCh38, chr22:20,989,687, plus strand): 5'-TGAATGACATGTGGACAATTGGCCTCCAGGACCGAGAGCTCACCTGCTGGGAGGAGGTGA[G>C]GGGCGTGGGGAGCCAGGGCGCAGGTAGAGGAGGTGAGGGGCACGGGGAGCCAGGGCGCAG-3'